The following is an entry in ClinVar:

NM_007294.4(BRCA1):c.189dup (p.Cys64fs)

Gene: BRCA1 (BRCA1 DNA repair associated; minus strand). Cytogenetic location: 17q21.31.
Variant type: Duplication.
Coding change: c.189dup on transcript NM_007294.4 (MANE Select); coding-DNA position 189, one base duplicated (A; older notation c.189dupA).
Protein change: p.Cys64fs; shifts the reading frame from cysteine 64.
Molecular consequence: frameshift variant. On other transcripts: non-coding transcript variant (1).
Genome position (GRCh38, 1-based): chr17:43,106,479, T duplicated on the plus strand (A on the coding strand, the reverse complement: BRCA1 is on the minus strand). VCF-style (leftmost placement, unchanged base first): chr17-43106478-A-AT. GRCh37 (hg19) VCF-style: chr17-41258495-A-AT.
Other names: 308insA; c.189dupA (NM_007294.3); c.189dup, p.Cys64Metfs (NM_001407596.1, NM_001407597.1, NM_001407598.1 and 166 more transcripts); c.48dup, p.Cys17Metfs (NM_001407692.1, NM_001407694.1, NM_001407695.1 and 98 more transcripts); c.1dup, p.Met1Asnfs (NM_001407853.1, NM_001407879.1, NM_001407881.1 and 58 more transcripts); c.48dup, p.Cys17fs (NM_007297.4); c.189dup, p.Cys64fs (NM_007299.4, NM_007300.4); short protein forms C17fs, C64fs.
Identifiers: ClinVar variation 54390 (VCV000054390.4), dbSNP rs273897665, ClinGen allele CA001229.

ClinVar aggregate classification (germline): Pathogenic. Review status: reviewed by expert panel (3 of 4 stars). 2 submissions from 2 submitters: Pathogenic (1). 1 of the submissions does not count toward it. Last evaluated 2016-09-08.

Conditions:
Breast-ovarian cancer, familial, susceptibility to, 1 (BROVCA1). Also called: OVARIAN CANCER, SUSCEPTIBILITY TO; BRCA1 Hereditary Breast and Ovarian Cancer. Identifiers: Orphanet 145, MedGen C2676676, MONDO:0011450, OMIM 604370. Disease mechanism: loss of function.

Submissions (2):

Evidence-based Network for the Interpretation of Germline Mutant Alleles (ENIGMA)
Classification: Pathogenic for Breast-ovarian cancer, familial, susceptibility to, 1. Last evaluated: 2016-09-08. Review status: reviewed by expert panel. Criteria: ENIGMA BRCA1/2 Classification Criteria (2015). Collection method: curation. Allele origin: germline.
Comment: Variant allele predicted to encode a truncated non-functional protein.

Breast Cancer Information Core (BIC) (BRCA1)
Classification: Pathogenic for Breast-ovarian cancer, familial 1. Last evaluated: 2005-01-26. Review status: no assertion criteria provided. Collection method: clinical testing. Allele origin: germline. Affected: yes. Observed: 2 variant alleles. Not counted in ClinVar's aggregate classification.